The following is an entry in ClinVar:

ClinVar aggregate classification (germline): Uncertain significance (1 of 4 stars; one submission).

Allele frequency attached by ClinVar (database versions not stated): ExAC 0.00001; gnomAD 0.00001; gnomAD exomes 0.00001; TOPMed 0.00002.
gnomAD v4.1: 12 of 1,613,932 alleles (0.00074%); highest among the groups gnomAD compares: African/African-American, 0.0027%; no homozygotes.

Submission:

Labcorp Genetics (formerly Invitae), Labcorp
Classification: Uncertain significance. Last evaluated: 2024-01-26. Review status: criteria provided, single submitter. Criteria: Invitae Variant Classification Sherloc (09022015). Collection method: clinical testing. Allele origin: germline.
Comment: This sequence change replaces alanine, which is neutral and non-polar, with valine, which is neutral and non-polar, at codon 504 of the FAN1 protein (p.Ala504Val). This variant is present in population databases (rs780858743, gnomAD 0.0009%). This variant has not been reported in the literature in individuals affected with FAN1-related conditions. An algorithm developed to predict the effect of missense changes on protein structure and function (PolyPhen-2) suggests that this variant is likely to be disruptive. In summary, the available evidence is currently insufficient to determine the role of this variant in disease. Therefore, it has been classified as a Variant of Uncertain Significance.

NM_014967.5(FAN1):c.1511C>T (p.Ala504Val)

Gene: FAN1 (FANCD2 and FANCI associated nuclease 1; plus strand). Cytogenetic location: 15q13.3.
Variant type: single nucleotide variant.
Coding change: c.1511C>T on transcript NM_014967.5 (MANE Select); coding-DNA position 1511, C replaced by T.
Protein change: p.Ala504Val; replaces alanine 504 with valine.
Molecular consequence: missense variant.
Genome position (GRCh38, 1-based): chr15:30,910,749, C>T. VCF-style: chr15-30910749-C-T. GRCh37 (hg19) VCF-style: chr15-31202952-C-T.
Other names: c.1511C>T, p.Ala504Val (NM_001146094.2, NM_001146095.1, NM_001146096.2); short protein forms A504V.
Identifiers: ClinVar variation 2981115 (VCV002981115.3), dbSNP rs780858743, ClinGen allele CA7450320.